The following is an entry in ClinVar:

ClinVar aggregate classification (germline): Likely pathogenic (1 of 4 stars; one submission).

Conditions:
Granulomatous disease, chronic, X-linked. Also called: CYTOCHROME b-NEGATIVE GRANULOMATOUS DISEASE, CHRONIC, X-LINKED; GRANULOMATOUS DISEASE, CHRONIC, X-LINKED, SOMATIC MOSAIC. Identifiers: Orphanet 379, MedGen C1844376, MONDO:0010600, OMIM 306400.

Submissions (2):

Labcorp Genetics (formerly Invitae), Labcorp
Classification: Likely pathogenic for Granulomatous disease, chronic, X-linked. Last evaluated: 2025-12-16. Review status: criteria provided, single submitter. Criteria: Invitae Variant Classification Sherloc (09022015). Collection method: clinical testing. Allele origin: germline.
Comment: This sequence change affects an acceptor splice site in intron 2 of the CYBB gene. It is expected to disrupt RNA splicing. Variants that disrupt the donor or acceptor splice site typically lead to a loss of protein function (PMID: 16199547), and loss-of-function variants in CYBB are known to be pathogenic (PMID: 9585602, 20729109). This variant is not present in population databases (gnomAD no frequency). Disruption of this splice site has been observed in individual(s) with chronic granulomatous disease and/or clinical features of CYBB-related conditions (PMID: 8070813, 39052144). Algorithms developed to predict the effect of sequence changes on RNA splicing suggest that this variant may disrupt the consensus splice site. In summary, the currently available evidence indicates that the variant is pathogenic, but additional data are needed to prove that conclusively. Therefore, this variant has been classified as Likely Pathogenic.

Dr. Peter K. Rogan Lab, Western University
No classification provided (evidence only). Condition: Nonpapillary renal cell carcinoma. Review status: no classification provided. Collection method: in vitro. Allele origin: not applicable. Functional consequence: retained intron. Not counted in ClinVar's aggregate classification.

Literature cited by the submitters: PubMed 16199547 (cited by Labcorp Genetics (formerly Invitae), Labcorp); PubMed 9585602 (cited by Labcorp Genetics (formerly Invitae), Labcorp); PubMed 20729109 (cited by Labcorp Genetics (formerly Invitae), Labcorp); PubMed 8070813 (cited by Labcorp Genetics (formerly Invitae), Labcorp); PubMed 39052144 (cited by Labcorp Genetics (formerly Invitae), Labcorp).

NM_000397.4(CYBB):c.142-2A>G

Gene: CYBB (cytochrome b-245 beta chain; plus strand). Cytogenetic location: Xp21.1.
Variant type: single nucleotide variant.
Coding change: c.142-2A>G on transcript NM_000397.4 (MANE Select); the canonical splice acceptor site of the intron before coding-DNA position 142, A replaced by G.
Molecular consequence: splice acceptor variant.
Genome position (GRCh38, 1-based): chrX:37,783,488, A>G. VCF-style: chrX-37783488-A-G. GRCh37 (hg19) VCF-style: chrX-37642741-A-G.
Other names: NC_000023.10:g.37642741A>G.
Identifiers: ClinVar variation 4487702 (VCV004487702.2).